The following is an entry in ClinVar:

NM_000829.4(GRIA4):c.504A>G (p.Gln168=)

Gene: GRIA4 (glutamate ionotropic receptor AMPA type subunit 4; plus strand). Cytogenetic location: 11q22.3.
Variant type: single nucleotide variant.
Coding change: c.504A>G on transcript NM_000829.4 (MANE Select); coding-DNA position 504, A replaced by G.
Protein change: p.Gln168=; no amino-acid change (glutamine 168 retained).
Molecular consequence: synonymous variant. On other transcripts: non-coding transcript variant (1).
Genome position (GRCh38, 1-based): chr11:105,862,040, A>G. VCF-style: chr11-105862040-A-G. GRCh37 (hg19) VCF-style: chr11-105732766-A-G.
Other names: c.504A>G, p.Gln168= (NM_001077243.3, NM_001077244.2, NM_001112812.2).
Identifiers: ClinVar variation 3356647 (VCV003356647.1).

ClinVar aggregate classification (germline): Likely benign (0 of 4 stars; one submission).

Conditions:
GRIA4-related disorder. Also called: GRIA4-related condition.

gnomAD v4.1: 7 of 1,610,146 alleles (0.00043%); highest among the groups gnomAD compares: Admixed American, 0.01%; no homozygotes.

Submission:

PreventionGenetics, part of Exact Sciences
Classification: Likely benign for GRIA4-related condition. Last evaluated: 2024-06-26. Review status: no assertion criteria provided. Collection method: clinical testing. Allele origin: germline.
Comment: This variant is classified as likely benign based on ACMG/AMP sequence variant interpretation guidelines (Richards et al. 2015 PMID: 25741868, with internal and published modifications).